The following is an entry in ClinVar:

ClinVar aggregate classification (germline): Conflicting classifications of pathogenicity. Review status: criteria provided, conflicting classifications (1 of 4 stars). 4 submissions from 4 submitters: Uncertain significance (1); Likely benign (1). 2 of the submissions do not count toward it. Last evaluated 2024-08-07.

Allele frequency attached by ClinVar (database versions not stated): TOPMed 0.00001; gnomAD 0.00002; gnomAD exomes 0.00002 and 0.00003; ExAC 0.00004; 1000 Genomes Project 30x 0.00016; 1000 Genomes Project 0.00040.

Submissions (4):

Blueprint Genetics
Classification: Likely benign. Last evaluated: 2024-08-07. Review status: criteria provided, single submitter. Criteria: ACMG Guidelines, 2015. Collection method: clinical testing. Allele origin: germline.

Labcorp Genetics (formerly Invitae), Labcorp
Classification: Uncertain significance. Last evaluated: 2022-04-08. Review status: criteria provided, single submitter. Criteria: Invitae Variant Classification Sherloc (09022015). Collection method: clinical testing. Allele origin: germline.
Comment: In summary, the available evidence is currently insufficient to determine the role of this variant in disease. Therefore, it has been classified as a Variant of Uncertain Significance. This sequence change replaces arginine, which is basic and polar, with tryptophan, which is neutral and slightly polar, at codon 93 of the FGFR3 protein (p.Arg93Trp). This variant is present in population databases (rs199968400, gnomAD 0.007%). This variant has not been reported in the literature in individuals affected with FGFR3-related conditions. ClinVar contains an entry for this variant (Variation ID: 1206359). Algorithms developed to predict the effect of missense changes on protein structure and function output the following: SIFT: "Tolerated"; PolyPhen-2: "Benign"; Align-GVGD: "Class C0". The tryptophan amino acid residue is found in multiple mammalian species, which suggests that this missense change does not adversely affect protein function.

Joint Genome Diagnostic Labs from Nijmegen and Maastricht, Radboudumc and MUMC+
Classification: Uncertain significance. Review status: no assertion criteria provided. Collection method: clinical testing. Allele origin: germline. Affected: yes. Study: VKGL Data-share Consensus. Not counted in ClinVar's aggregate classification.

Laboratory of Diagnostic Genome Analysis, Leiden University Medical Center (LUMC)
Classification: Uncertain significance. Review status: no assertion criteria provided. Collection method: clinical testing. Allele origin: germline. Affected: yes. Study: VKGL Data-share Consensus. Not counted in ClinVar's aggregate classification.

NM_000142.5(FGFR3):c.277C>T (p.Arg93Trp)

Gene: FGFR3 (fibroblast growth factor receptor 3; plus strand). Cytogenetic location: 4p16.3.
Variant type: single nucleotide variant.
Coding change: c.277C>T on transcript NM_000142.5 (MANE Select); coding-DNA position 277, C replaced by T.
Protein change: p.Arg93Trp; replaces arginine 93 with tryptophan.
Molecular consequence: missense variant. On other transcripts: non-coding transcript variant (1).
Genome position (GRCh38, 1-based): chr4:1,799,421, C>T. VCF-style: chr4-1799421-C-T. GRCh37 (hg19) VCF-style: chr4-1801148-C-T.
Other names: c.277C>T, p.Arg93Trp (NM_001163213.2, NM_001354809.2, NM_001354810.2 and 1 more transcripts); short protein forms R93W.
Identifiers: ClinVar variation 1206359 (VCV001206359.8), dbSNP rs199968400, ClinGen allele CA2809758.